The following is an entry in ClinVar:

NM_015338.6(ASXL1):c.1403G>C (p.Gly468Ala)

Gene: ASXL1 (ASXL transcriptional regulator 1; plus strand). Cytogenetic location: 20q11.21.
Variant type: single nucleotide variant.
Coding change: c.1403G>C on transcript NM_015338.6 (MANE Select); coding-DNA position 1403, G replaced by C.
Protein change: p.Gly468Ala; replaces glycine 468 with alanine.
Molecular consequence: missense variant.
Genome position (GRCh38, 1-based): chr20:32,433,601, G>C. VCF-style: chr20-32433601-G-C. GRCh37 (hg19) VCF-style: chr20-31021404-G-C.
Other names: c.1220G>C, p.Gly407Ala (NM_001363734.1); short protein forms G407A, G468A.
Identifiers: ClinVar variation 3957459 (VCV003957459.1).
Genomic context (GRCh38, chr20:32,433,601, plus strand): 5'-TCTACAAGGATGGGGAGGCTAAGACTGACCCAGCAGGGCTGAGCAGTCCCCATCTGCCAG[G>C]CACATCCTCTGCAGCACCCGACCTGGAGGGTCCCGAATTCCCAGTTGAGTCTGTGGCTTC-3'
Protein context (NP_056153.2, residues 458-478): PAGLSSPHLP[Gly468Ala]TSSAAPDLEG

ClinVar aggregate classification (germline): Uncertain significance (1 of 4 stars; one submission).

Conditions:
Inborn genetic diseases. Identifiers: MedGen C0950123, MeSH D030342.

gnomAD v4.1: 1 of 1,614,082 alleles (0.000062%); highest among the groups gnomAD compares: Non-Finnish European, 0.000085%; no homozygotes.

Submission:

Ambry Genetics
Classification: Uncertain significance for Inborn genetic diseases. Last evaluated: 2025-05-31. Review status: criteria provided, single submitter. Criteria: Ambry Variant Classification Scheme 2023. Collection method: clinical testing. Allele origin: germline.
Comment: The p.G468A variant (also known as c.1403G>C), located in coding exon 12 of the ASXL1 gene, results from a G to C substitution at nucleotide position 1403. The glycine at codon 468 is replaced by alanine, an amino acid with similar properties. This amino acid position is conserved. In addition, this alteration is predicted to be tolerated by in silico analysis. Based on the available evidence, the clinical significance of this variant remains unclear.